The following is an entry in ClinVar:

ClinVar aggregate classification (germline): Uncertain significance (1 of 4 stars; one submission).

Conditions:
Combined oxidative phosphorylation defect type 17. Also called: Combined oxidative phosphorylation deficiency 17. Identifiers: Orphanet 369913, MedGen C3809526, MONDO:0014190, OMIM 615440.

Allele frequency attached by ClinVar (database versions not stated): gnomAD 0.00001; TOPMed 0.00001.
gnomAD v4.1: 8 of 1,613,962 alleles (0.0005%); highest among the groups gnomAD compares: Admixed American, 0.0017%; no homozygotes.

Submission:

Labcorp Genetics (formerly Invitae), Labcorp
Classification: Uncertain significance for Combined oxidative phosphorylation defect type 17. Last evaluated: 2022-08-16. Review status: criteria provided, single submitter. Criteria: Invitae Variant Classification Sherloc (09022015). Collection method: clinical testing. Allele origin: germline.
Comment: This sequence change replaces cysteine, which is neutral and slightly polar, with tryptophan, which is neutral and slightly polar, at codon 441 of the ELAC2 protein (p.Cys441Trp). This variant is not present in population databases (gnomAD no frequency). This variant has not been reported in the literature in individuals affected with ELAC2-related conditions. ClinVar contains an entry for this variant (Variation ID: 567571). Algorithms developed to predict the effect of missense changes on protein structure and function are either unavailable or do not agree on the potential impact of this missense change (SIFT: "Tolerated"; PolyPhen-2: "Probably Damaging"; Align-GVGD: "Class C0"). In summary, the available evidence is currently insufficient to determine the role of this variant in disease. Therefore, it has been classified as a Variant of Uncertain Significance.

NM_018127.7(ELAC2):c.1323C>G (p.Cys441Trp)

Gene: ELAC2 (elaC ribonuclease Z 2; minus strand). Cytogenetic location: 17p12.
Variant type: single nucleotide variant.
Coding change: c.1323C>G on transcript NM_018127.7 (MANE Select); coding-DNA position 1323, C replaced by G.
Protein change: p.Cys441Trp; replaces cysteine 441 with tryptophan.
Molecular consequence: missense variant.
Genome position (GRCh38, 1-based): chr17:13,000,256, G>C on the plus strand (C>G on the coding strand, the complement: ELAC2 is on the minus strand). VCF-style: chr17-13000256-G-C. GRCh37 (hg19) VCF-style: chr17-12903573-G-C.
Other names: c.1203C>G, p.Cys401Trp (NM_001165962.2); c.1320C>G, p.Cys440Trp (NM_173717.2); short protein forms C441W, C401W, C440W.
Identifiers: ClinVar variation 567571 (VCV000567571.3), dbSNP rs1567751438, ClinGen allele CA398225038.